The following is an entry in ClinVar:

ClinVar aggregate classification (germline): Likely pathogenic (1 of 4 stars; one submission).

Conditions:
Inborn genetic diseases. Identifiers: MedGen C0950123, MeSH D030342.

Submission:

Ambry Genetics
Classification: Likely pathogenic for Inborn genetic diseases. Last evaluated: 2022-03-24. Review status: criteria provided, single submitter. Criteria: Ambry Variant Classification Scheme 2023. Collection method: clinical testing. Allele origin: germline.
Comment: The c.673+2T>C intronic variant results from a T to C substitution two nucleotides after coding exon 6 of the LGI1 gene. Alterations that disrupt the canonical splice site are expected to cause aberrant splicing, resulting in an abnormal protein or a transcript that is subject to nonsense-mediated mRNA decay. This variant was not reported in population-based cohorts in the Genome Aggregation Database (gnomAD). This nucleotide position is highly conserved in available vertebrate species. Based on internal structural analysis, the predicted impact of the c.673+2T>C is significantly disruptive to the local structure of multiple known domains including the leucine rich repeat domain (Ambry internal data). In silico splice site analysis predicts that this alteration will weaken the native splice donor site. Based on the available evidence, this alteration is classified as likely pathogenic.

Literature cited by the submitters: PubMed 15079011.

NM_005097.4(LGI1):c.673+2T>C

Gene: LGI1 (leucine rich glioma inactivated 1; plus strand). Cytogenetic location: 10q23.33.
Variant type: single nucleotide variant.
Coding change: c.673+2T>C on transcript NM_005097.4 (MANE Select); the canonical splice donor site of the intron after coding-DNA position 673, T replaced by C.
Molecular consequence: splice donor variant.
Genome position (GRCh38, 1-based): chr10:93,792,914, T>C. VCF-style: chr10-93792914-T-C. GRCh37 (hg19) VCF-style: chr10-95552671-T-C.
Other names: c.673+2T>C (NM_001308275.2); c.529+2T>C (NM_001308276.2).
Identifiers: ClinVar variation 2276983 (VCV002276983.2), dbSNP rs2492904557, ClinGen allele CA377623834.